The following is an entry in ClinVar:

ClinVar aggregate classification (germline): Conflicting classifications of pathogenicity. Review status: criteria provided, conflicting classifications (1 of 4 stars). 5 submissions from 5 submitters: Uncertain significance (4); Likely benign (1). Last evaluated 2025-03-31.

Conditions:
Hypertrophic cardiomyopathy. Also called: HYPERTROPHIC MYOCARDIOPATHY. Identifiers: Orphanet 217569, MedGen C0007194, MeSH D002312, MONDO:0005045, HP:0001639.
Cardiovascular phenotype. Identifiers: MedGen CN230736.

Allele frequency attached by ClinVar (database versions not stated): TOPMed 0.00001; gnomAD 0.00002 and 0.00003; gnomAD exomes 0.00002 and 0.00003; ExAC 0.00007.
gnomAD v4.1: 26 of 1,570,958 alleles (0.0017%); highest among the groups gnomAD compares: Non-Finnish European, 0.002%; no homozygotes.

Submissions (5):

Labcorp Genetics (formerly Invitae), Labcorp
Classification: Uncertain significance for Hypertrophic cardiomyopathy. Last evaluated: 2025-03-31. Review status: criteria provided, single submitter. Criteria: Invitae Variant Classification Sherloc (09022015). Collection method: clinical testing. Allele origin: germline.
Comment: This sequence change replaces threonine, which is neutral and polar, with alanine, which is neutral and non-polar, at codon 574 of the JPH2 protein (p.Thr574Ala). This variant is present in population databases (rs773306912, gnomAD 0.008%). This variant has not been reported in the literature in individuals affected with JPH2-related conditions. ClinVar contains an entry for this variant (Variation ID: 1314457). An algorithm developed to predict the effect of missense changes on protein structure and function outputs the following: PolyPhen-2: "Benign". The alanine amino acid residue is found in multiple mammalian species, which suggests that this missense change does not adversely affect protein function. In summary, the available evidence is currently insufficient to determine the role of this variant in disease. Therefore, it has been classified as a Variant of Uncertain Significance.

Ambry Genetics
Classification: Likely benign for Cardiovascular phenotype. Last evaluated: 2024-08-26. Review status: criteria provided, single submitter. Criteria: Ambry Variant Classification Scheme 2023. Collection method: clinical testing. Allele origin: germline.

Women's Health and Genetics/Laboratory Corporation of America, LabCorp
Classification: Uncertain significance. Last evaluated: 2024-04-23. Review status: criteria provided, single submitter. Criteria: LabCorp Variant Classification Summary - May 2015. Collection method: clinical testing. Allele origin: germline.
Comment: Variant summary: JPH2 c.1720A>G (p.Thr574Ala) results in a non-conservative amino acid change in the encoded protein sequence. Four of five in-silico tools predict a benign effect of the variant on protein function. The variant allele was found at a frequency of 1.7e-05 in 1570958 control chromosomes. This frequency is not significantly higher than estimated for a pathogenic variant in JPH2 causing Cardiomyopathy (1.7e-05 vs 2.5e-05), allowing no conclusion about variant significance. To our knowledge, no occurrence of c.1720A>G in individuals affected with Cardiomyopathy and no experimental evidence demonstrating its impact on protein function have been reported. ClinVar contains an entry for this variant (Variation ID: 1314457). Based on the evidence outlined above, the variant was classified as uncertain significance.

Blueprint Genetics
Classification: Uncertain significance. Last evaluated: 2023-11-23. Review status: criteria provided, single submitter. Criteria: ACMG Guidelines, 2015. Collection method: clinical testing. Allele origin: germline.

GeneDx
Classification: Uncertain significance. Last evaluated: 2021-04-06. Review status: criteria provided, single submitter. Criteria: GeneDx Variant Classification Process June 2021. Collection method: clinical testing. Allele origin: germline. Affected: yes.
Comment: Has not been previously published as pathogenic or benign to our knowledge; Not observed at a significant frequency in large population cohorts (Lek et al., 2016); In silico analysis supports that this missense variant does not alter protein structure/function

NM_020433.5(JPH2):c.1720A>G (p.Thr574Ala)

Gene: JPH2 (junctophilin 2; minus strand). Cytogenetic location: 20q13.12.
Variant type: single nucleotide variant.
Coding change: c.1720A>G on transcript NM_020433.5 (MANE Select); coding-DNA position 1720, A replaced by G.
Protein change: p.Thr574Ala; replaces threonine 574 with alanine.
Molecular consequence: missense variant.
Genome position (GRCh38, 1-based): chr20:44,115,955, T>C on the plus strand (A>G on the coding strand, the complement: JPH2 is on the minus strand). VCF-style: chr20-44115955-T-C. GRCh37 (hg19) VCF-style: chr20-42744595-T-C.
Other names: short protein forms T574A.
Identifiers: ClinVar variation 1314457 (VCV001314457.11), dbSNP rs773306912, ClinGen allele CA9868628.